The following is an entry in ClinVar:

NM_005918.4(MDH2):c.896T>C (p.Ile299Thr)

Gene: MDH2 (malate dehydrogenase 2; plus strand). Cytogenetic location: 7q11.23.
Variant type: single nucleotide variant.
Coding change: c.896T>C on transcript NM_005918.4 (MANE Select); coding-DNA position 896, T replaced by C.
Protein change: p.Ile299Thr; replaces isoleucine 299 with threonine.
Molecular consequence: missense variant.
Genome position (GRCh38, 1-based): chr7:76,066,289, T>C. VCF-style: chr7-76066289-T-C. GRCh37 (hg19) VCF-style: chr7-75695607-T-C.
Other names: c.770T>C, p.Ile257Thr (NM_001282403.2); c.575T>C, p.Ile192Thr (NM_001282404.2); short protein forms I299T, I257T, I192T.
Identifiers: ClinVar variation 3293834 (VCV003293834.1).

ClinVar aggregate classification (germline): Uncertain significance (1 of 4 stars; one submission).

Conditions:
Inborn genetic diseases. Identifiers: MedGen C0950123, MeSH D030342.

gnomAD v4.1: 3 of 1,608,038 alleles (0.00019%); highest among the groups gnomAD compares: East Asian, 0.0022%; no homozygotes.

Submission:

Ambry Genetics
Classification: Uncertain significance for Inborn genetic diseases. Last evaluated: 2024-04-27. Review status: criteria provided, single submitter. Criteria: Ambry Variant Classification Scheme 2023. Collection method: clinical testing. Allele origin: germline.
Comment: The p.I299T variant (also known as c.896T>C), located in coding exon 9 of the MDH2 gene, results from a T to C substitution at nucleotide position 896. The isoleucine at codon 299 is replaced by threonine, an amino acid with similar properties. This amino acid position is conserved. In addition, the in silico prediction for this alteration is inconclusive. Based on the available evidence, the clinical significance of this variant remains unclear.